The following is an entry in ClinVar:

NM_000138.5(FBN1):c.1505del (p.Gly502fs)

Gene: FBN1 (fibrillin 1; minus strand). Cytogenetic location: 15q21.1.
Variant type: Deletion.
Coding change: c.1505del on transcript NM_000138.5 (MANE Select); coding-DNA position 1505, one base deleted (G; older notation c.1505delG).
Protein change: p.Gly502fs; shifts the reading frame from glycine 502.
Molecular consequence: frameshift variant.
Genome position (GRCh38, 1-based): chr15:48,513,632, C deleted on the plus strand (G on the coding strand, the reverse complement: FBN1 is on the minus strand); the first of 2 consecutive C bases (chr15:48,513,632-48,513,633); deleting either gives the same sequence. VCF-style (leftmost placement, unchanged base first): chr15-48513631-AC-A. GRCh37 (hg19) VCF-style: chr15-48805828-AC-A.
Other names: short protein forms G502fs.
Identifiers: ClinVar variation 1453854 (VCV001453854.6), dbSNP rs2141327834, ClinGen allele CA2573150830.
Genomic context (GRCh38, chr15:48,513,631, plus strand): 5'-TGTGCTCTGATATCCAGCTCGGCACTGACAGGTGTACGAACCCTGGTTGTTAATACACTC[AC>A]CACCAGCACAGGGGTTTTTCTCACATTCATCAACATCTGCAAAGCACAATGTATTTTAGT-3'

ClinVar aggregate classification (germline): Pathogenic (1 of 4 stars; one submission).

Conditions:
Marfan syndrome (MFS). Also called: MARFAN SYNDROME, TYPE I; Marfan syndrome type 1; Marfan's syndrome; Marfan syndrome, classic; FBN1-Related Marfan Syndrome. Identifiers: Orphanet 284963, Orphanet 558, MedGen C0024796, MONDO:0007947, OMIM 154700.
Familial thoracic aortic aneurysm and aortic dissection (TAAD). Also called: Thoracic aortic aneurysms and dissections. Identifiers: Orphanet 91387, MedGen C4707243, MONDO:0019625.

Submission:

Labcorp Genetics (formerly Invitae), Labcorp
Classification: Pathogenic for Marfan syndrome; Familial thoracic aortic aneurysm and aortic dissection. Last evaluated: 2021-08-27. Review status: criteria provided, single submitter. Criteria: Invitae Variant Classification Sherloc (09022015). Collection method: clinical testing. Allele origin: germline.
Comment: For these reasons, this variant has been classified as Pathogenic. Algorithms developed to predict the effect of sequence changes on RNA splicing suggest that this variant may create or strengthen a splice site. This variant is also known as p.Glu502*. This premature translational stop signal has been observed in individual(s) with Marfan syndrome (PMID: 28941062). This variant is not present in population databases (ExAC no frequency). This sequence change creates a premature translational stop signal (p.Gly502Valfs*77) in the FBN1 gene. It is expected to result in an absent or disrupted protein product. Loss-of-function variants in FBN1 are known to be pathogenic (PMID: 17657824, 19293843).

Literature cited by the submitters: PubMed 28941062; PubMed 17657824; PubMed 19293843.